The following is an entry in ClinVar:

ClinVar aggregate classification (germline): Benign (1 of 4 stars; one submission).

Allele frequency attached by ClinVar (database versions not stated): 1000 Genomes Project 30x 0.00437; 1000 Genomes Project 0.00479; TOPMed 0.00882; gnomAD 0.00986.
gnomAD v4.1: 7,621 of 648,006 alleles (1.2%); highest among the groups gnomAD compares: Non-Finnish European, 1.6%; 64 homozygotes.

Submissions (8):

CeGaT Center for Human Genetics Tuebingen
Classification: Benign. Last evaluated: 2022-11-01. Review status: criteria provided, single submitter. Criteria: CeGaT Center For Human Genetics Tuebingen Variant Classification Criteria Version 2. Collection method: clinical testing. Allele origin: germline. Affected: yes. Observed: 1 variant allele.
Comment: IKZF2: BS1, BS2

Dr. Peter K. Rogan Lab, Western University
No classification provided (evidence only). Condition: Cervical cancer. Review status: no classification provided. Collection method: in vitro. Allele origin: not applicable. Functional consequence: retained intron. Not counted in ClinVar's aggregate classification.

Dr. Peter K. Rogan Lab, Western University
No classification provided (evidence only). Condition: Cervical cancer. Review status: no classification provided. Collection method: in vitro. Allele origin: not applicable. Functional consequence: retained intron. Not counted in ClinVar's aggregate classification.

Dr. Peter K. Rogan Lab, Western University
No classification provided (evidence only). Condition: Thymoma. Review status: no classification provided. Collection method: in vitro. Allele origin: not applicable. Functional consequence: retained intron. Not counted in ClinVar's aggregate classification.

Dr. Peter K. Rogan Lab, Western University
No classification provided (evidence only). Condition: Thymoma. Review status: no classification provided. Collection method: in vitro. Allele origin: not applicable. Functional consequence: retained intron. Not counted in ClinVar's aggregate classification.

Dr. Peter K. Rogan Lab, Western University
No classification provided (evidence only). Condition: Gastric cancer. Review status: no classification provided. Collection method: in vitro. Allele origin: not applicable. Functional consequence: retained intron. Not counted in ClinVar's aggregate classification.

Dr. Peter K. Rogan Lab, Western University
No classification provided (evidence only). Condition: Nonpapillary renal cell carcinoma. Review status: no classification provided. Collection method: in vitro. Allele origin: not applicable. Functional consequence: retained intron. Not counted in ClinVar's aggregate classification.

Dr. Peter K. Rogan Lab, Western University
No classification provided (evidence only). Condition: Familial pancreatic carcinoma. Review status: no classification provided. Collection method: in vitro. Allele origin: not applicable. Functional consequence: skipped exon, retained intron. Not counted in ClinVar's aggregate classification.

NM_001387220.1(IKZF2):c.139+207G>A

Genes: IKZF2 (IKAROS family zinc finger 2; minus strand), LOC129935528 (ATAC-STARR-seq lymphoblastoid active region 17060; plus strand). Cytogenetic location: 2q34.
Variant type: single nucleotide variant.
Coding change: c.139+207G>A on transcript NM_001387220.1 (MANE Select); 207 bases into the intron after coding-DNA position 139, G replaced by A.
Molecular consequence: intron variant.
Genome position (GRCh38, 1-based): chr2:213,147,501, C>T on the plus strand (G>A on the coding strand, the complement: IKZF2 is on the minus strand). VCF-style: chr2-213147501-C-T. GRCh37 (hg19) VCF-style: chr2-214012225-C-T.
Other names: NC_000002.11:g.214012225C>T; c.136+210G>A (NM_001371277.1); c.139+207G>A (NM_001371274.1, NM_001371276.1, NM_001079526.2 and 2 more transcripts).
Identifiers: ClinVar variation 2651864 (VCV002651864.25), dbSNP rs112905092, ClinGen allele CA15213457.